The following is an entry in ClinVar:

ClinVar aggregate classification (germline): Pathogenic (1 of 4 stars; one submission).

Conditions:
Schaaf-Yang syndrome (SHFYNG). Also called: Arthrogryposis, distal, with hypopituitarism, intellectual disability, and facial anomalies; MAGEL2-related Prader-Willi-like syndrome. Identifiers: Orphanet 398069, MedGen C5575066, MONDO:0014243, OMIM 615547.
Inborn genetic diseases. Identifiers: MedGen C0950123, MeSH D030342.

Submission:

Ambry Genetics
Classification: Pathogenic for Inborn genetic diseases. Last evaluated: 2019-01-31. Review status: criteria provided, single submitter. Criteria: Ambry exome assertion method (8-5-2015). Collection method: clinical testing. Allele origin: germline. Affected: yes. Observed: 1 variant allele.

Literature cited by the submitters: PubMed 27195816 (cited by Ambry Genetics); PubMed 29581464 (cited by Ambry Genetics).

NM_019066.5(MAGEL2):c.1601del (p.Pro534fs)

Gene: MAGEL2 (MAGE family member L2; minus strand). Cytogenetic location: 15q11.2.
Variant type: Deletion.
Coding change: c.1601del on transcript NM_019066.5 (MANE Select); coding-DNA position 1601, one base deleted (C; older notation c.1601delC).
Protein change: p.Pro534fs; shifts the reading frame from proline 534.
Molecular consequence: frameshift variant.
Genome position (GRCh38, 1-based): chr15:23,646,142, G deleted on the plus strand (C on the coding strand, the reverse complement: MAGEL2 is on the minus strand); the first of 4 consecutive G bases (chr15:23,646,142-23,646,145); deleting any one gives the same sequence. VCF-style (leftmost placement, unchanged base first): chr15-23646141-CG-C. GRCh37 (hg19) VCF-style: chr15-23891288-CG-C.
Other names: c.1601delC (NM_019066.5); short protein forms P534fs.
Identifiers: ClinVar variation 973031 (VCV000973031.4), dbSNP rs1890397401, ClinGen allele CA1139663783.